The following is an entry in ClinVar:

NM_017617.5(NOTCH1):c.5579C>T (p.Pro1860Leu)

Gene: NOTCH1 (notch receptor 1; minus strand). Cytogenetic location: 9q34.3.
Variant type: single nucleotide variant.
Coding change: c.5579C>T on transcript NM_017617.5 (MANE Select); coding-DNA position 5579, C replaced by T.
Protein change: p.Pro1860Leu; replaces proline 1860 with leucine.
Molecular consequence: missense variant.
Genome position (GRCh38, 1-based): chr9:136,501,807, G>A on the plus strand (C>T on the coding strand, the complement: NOTCH1 is on the minus strand). VCF-style: chr9-136501807-G-A. GRCh37 (hg19) VCF-style: chr9-139396259-G-A.
Other names: short protein forms P1860L.
Identifiers: ClinVar variation 5025796 (VCV005025796.1).

ClinVar aggregate classification (germline): Uncertain significance (1 of 4 stars; one submission).

Conditions:
Familial thoracic aortic aneurysm and aortic dissection (TAAD). Also called: Thoracic aortic aneurysms and dissections. Identifiers: Orphanet 91387, MedGen C4707243, MONDO:0019625.

gnomAD v4.1: 2 of 1,612,670 alleles (0.00012%); highest among the groups gnomAD compares: African/African-American, 0.0027%; no homozygotes.

Submission:

Ambry Genetics
Classification: Uncertain significance for Familial thoracic aortic aneurysm and aortic dissection. Last evaluated: 2026-07-01. Review status: criteria provided, single submitter. Criteria: Ambry Variant Classification Scheme 2023. Collection method: clinical testing. Allele origin: germline.
Comment: The p.P1860L variant (also known as c.5579C>T), located in coding exon 30 of the NOTCH1 gene, results from a C to T substitution at nucleotide position 5579. The proline at codon 1860 is replaced by leucine, an amino acid with similar properties. This amino acid position is conserved. In addition, the in silico prediction for this alteration is inconclusive. Based on the available evidence, the clinical significance of this variant remains unclear.